The following is an entry in ClinVar:

ClinVar aggregate classification (germline): Benign. Review status: criteria provided, multiple submitters, no conflicts (2 of 4 stars). 2 submissions from 2 submitters: Benign (2). Last evaluated 2026-01-14.

Conditions:
Hereditary North American Indian childhood cirrhosis. Identifiers: Orphanet 168583, MedGen C1858051, MONDO:0011497, OMIM 604901.

Allele frequency attached by ClinVar (database versions not stated): gnomAD exomes 0.00073 and 0.00164; ExAC 0.00185; 1000 Genomes Project 30x 0.00422; 1000 Genomes Project 0.00439; gnomAD 0.00618 and 0.00658; ESP Exome Variant Server 0.00669; TOPMed 0.00682.
gnomAD v4.1: 2,083 of 1,614,138 alleles (0.13%); highest among the groups gnomAD compares: African/African-American, 1.9%; 21 homozygotes.

Submissions (2):

Labcorp Genetics (formerly Invitae), Labcorp
Classification: Benign. Last evaluated: 2026-01-14. Review status: criteria provided, single submitter. Criteria: Invitae Variant Classification Sherloc (09022015). Collection method: clinical testing. Allele origin: germline.

Illumina Laboratory Services, Illumina
Classification: Benign for Hereditary North American Indian childhood cirrhosis. Last evaluated: 2018-01-13. Review status: criteria provided, single submitter. Criteria: ICSL Variant Classification Criteria 13 December 2019. Collection method: clinical testing. Allele origin: germline.
Comment: This variant was observed in the ICSL laboratory as part of a predisposition screen in an ostensibly healthy population. It had not been previously curated by ICSL or reported in the Human Gene Mutation Database (HGMD: prior to June 1st, 2018), and was therefore a candidate for classification through an automated scoring system. Utilizing variant allele frequency, disease prevalence and penetrance estimates, and inheritance mode, an automated score was calculated to assess if this variant is too frequent to cause the disease. Based on the score and internal cut-off values, a variant classified as benign is not then subjected to further curation. The score for this variant resulted in a classification of benign for this disease.

NM_032830.3(UTP4):c.1257T>C (p.Asn419=)

Gene: UTP4 (UTP4 small subunit processome component). Cytogenetic location: 16q22.1.
Variant type: single nucleotide variant.
Coding change: c.1257T>C on transcript NM_032830.3 (MANE Select); coding-DNA position 1257, T replaced by C.
Protein change: p.Asn419=; no amino-acid change (asparagine 419 retained).
Molecular consequence: synonymous variant.
Genome position (GRCh38, 1-based): chr16:69,155,963, T>C. VCF-style: chr16-69155963-T-C. GRCh37 (hg19) VCF-style: chr16-69189866-T-C.
Other names: c.1008T>C, p.Asn336= (NM_001318391.2).
Identifiers: ClinVar variation 885210 (VCV000885210.8), dbSNP rs149792921, ClinGen allele CA8132359.